The following is an entry in ClinVar:

NM_003327.4(TNFRSF4):c.446T>C (p.Leu149Ser)

Gene: TNFRSF4 (TNF receptor superfamily member 4; minus strand). Cytogenetic location: 1p36.33.
Variant type: single nucleotide variant.
Coding change: c.446T>C on transcript NM_003327.4 (MANE Select); coding-DNA position 446, T replaced by C.
Protein change: p.Leu149Ser; replaces leucine 149 with serine.
Molecular consequence: missense variant.
Genome position (GRCh38, 1-based): chr1:1,212,130, A>G on the plus strand (T>C on the coding strand, the complement: TNFRSF4 is on the minus strand). VCF-style: chr1-1212130-A-G. GRCh37 (hg19) VCF-style: chr1-1147510-A-G.
Other names: c.446T>C, p.Leu149Ser (NM_001410709.1); short protein forms L149S.
Identifiers: ClinVar variation 2635564 (VCV002635564.1), dbSNP rs2521758307, ClinGen allele CA337799738.

ClinVar aggregate classification (germline): Uncertain significance (1 of 4 stars; one submission).

Conditions:
TNFRSF4-related disorder. Also called: TNFRSF4-related condition.

Allele frequency attached by ClinVar (database versions not stated): gnomAD exomes below 0.00001.
gnomAD v4.1: 7 of 1,612,526 alleles (0.00043%); highest among the groups gnomAD compares: African/African-American, 0.0013%; no homozygotes.

Submission:

PreventionGenetics, part of Exact Sciences
Classification: Uncertain significance for TNFRSF4-related condition. Last evaluated: 2022-11-07. Review status: criteria provided, single submitter. Criteria: ACMG Guidelines, 2015. Collection method: clinical testing. Allele origin: germline.
Comment: The TNFRSF4 c.446T>C variant is predicted to result in the amino acid substitution p.Leu149Ser. To our knowledge, this variant has not been reported in the literature or in a large population database, indicating this variant is rare. At this time, the clinical significance of this variant is uncertain due to the absence of conclusive functional and genetic evidence.